The following is an entry in ClinVar:

ClinVar aggregate classification (germline): Uncertain significance (1 of 4 stars; one submission).

Conditions:
Combined immunodeficiency due to ORAI1 deficiency. Also called: IMMUNODEFICIENCY 9. Identifiers: Orphanet 169090, Orphanet 317428, MedGen C2748568, MONDO:0013007, OMIM 612782.
Myopathy, tubular aggregate, 2 (TAM2). Identifiers: MedGen C4014557, MONDO:0014383, OMIM 615883.

Allele frequency attached by ClinVar (database versions not stated): TOPMed 0.00002; gnomAD 0.00003 and 0.00002; 1000 Genomes Project 30x 0.00016.

Submission:

Labcorp Genetics (formerly Invitae), Labcorp
Classification: Uncertain significance for Myopathy, tubular aggregate, 2; Combined immunodeficiency due to ORAI1 deficiency. Last evaluated: 2025-08-01. Review status: criteria provided, single submitter. Criteria: Invitae Variant Classification Sherloc (09022015). Collection method: clinical testing. Allele origin: germline.
Comment: This sequence change replaces proline, which is neutral and non-polar, with alanine, which is neutral and non-polar, at codon 5 of the ORAI1 protein (p.Pro5Ala). This variant is present in population databases (no rsID available, gnomAD 0.06%). This variant has not been reported in the literature in individuals affected with ORAI1-related conditions. ClinVar contains an entry for this variant (Variation ID: 1494246). Experimental studies and prediction algorithms are not available or were not evaluated, and the functional significance of this variant is currently unknown. In summary, the available evidence is currently insufficient to determine the role of this variant in disease. Therefore, it has been classified as a Variant of Uncertain Significance.

NC_000012.12:g.121626755C>G

Genes: ORAI1 (ORAI calcium release-activated calcium modulator 1; plus strand), LOC130008987 (ATAC-STARR-seq lymphoblastoid silent region 4981; plus strand). Cytogenetic location: 12q24.31.
Variant type: single nucleotide variant.
Genome position: GRCh38 VCF-style: chr12-121626755-C-G. GRCh37 (hg19) VCF-style: chr12-122064660-C-G.
Other names: c.13C>G, p.Pro5Ala (NM_032790.4); short protein forms P5A.
Identifiers: ClinVar variation 1494246 (VCV001494246.6), dbSNP rs1253665950, ClinGen allele CA386980265.